The following is an entry in ClinVar:

ClinVar aggregate classification (germline): Likely pathogenic (1 of 4 stars; one submission).

Conditions:
5-Oxoprolinase deficiency (OPLAHD). Also called: 5-OXOPROLINURIA DUE TO 5-OXOPROLINASE DEFICIENCY. Identifiers: Orphanet 33572, MedGen C0268525, MONDO:0009825, OMIM 260005, HP:0040142.

gnomAD v4.1: 10 of 1,561,366 alleles (0.00064%); highest among the groups gnomAD compares: East Asian, 0.0024%; no homozygotes.

Submission:

Victorian Clinical Genetics Services, Murdoch Childrens Research Institute
Classification: Likely pathogenic for 5-Oxoprolinase deficiency. Last evaluated: 2023-07-17. Review status: criteria provided, single submitter. Criteria: ACMG Guidelines, 2015. Collection method: clinical testing. Allele origin: germline. Affected: yes.
Comment: Based on the classification scheme VCGS_Germline_v1.3.4, this variant is classified as Likely Pathogenic. Following criteria are met: 0102 - Loss of function is a known mechanism of disease in this gene and is associated with autosomal recessive 5-oxoprolinase deficiency (MIM#260005). Dominant negative has been suggested as a mechanism of autosomal dominant disease (PMID: 23430506). (I) 0106 - This gene is associated with autosomal recessive disease, with rare autosomal dominant reports (OMIM). (I) 0200 - Variant is predicted to result in a missense amino acid change from glycine to tryptophan. (I) 0251 - This variant is heterozygous. (I) 0301 - Variant is absent from gnomAD (both v2 and v3). (SP) 0309 - An alternative amino acid change at the same position has been observed in gnomAD (v2) (different nucleotide changes totalling 2 heterozygotes, 0 homozygotes). (I) 0501 - Missense variant consistently predicted to be damaging by multiple in silico tools or highly conserved with a major amino acid change. (SP) 0600 - Variant is located in the annotated hydantoinase_B domain (DECIPHER). (I) 0710 - Another missense variant comparable to the one identified in this case has inconclusive previous evidence for pathogenicity. This alternative change, p.(Gly1132Arg), has been reported as a VUS (ClinVar). (I) 0807 - This variant has no previous evidence of pathogenicity. (I) 0905 - No published segregation evidence has been identified for this variant. (I) 1007 - No published functional evidence has been identified for this variant. (I) 1101 - Very strong and specific phenotype match for this individual. (SP) 1201 - Heterozygous variant detected in trans with a second pathogenic heterozygous variant, p.(His870Profs*92), in a recessive disease. (I) Legend: (SP) - Supporting pathogenic, (I) - Information, (SB) - Supporting benign

Literature cited by the submitters: PubMed 23430506.

NM_017570.5(OPLAH):c.3394G>T (p.Gly1132Trp)

Gene: OPLAH (5-oxoprolinase, ATP-hydrolysing; minus strand). Cytogenetic location: 8q24.3.
Variant type: single nucleotide variant.
Coding change: c.3394G>T on transcript NM_017570.5 (MANE Select); coding-DNA position 3394, G replaced by T.
Protein change: p.Gly1132Trp; replaces glycine 1132 with tryptophan.
Molecular consequence: missense variant.
Genome position (GRCh38, 1-based): chr8:144,052,236, C>A on the plus strand (G>T on the coding strand, the complement: OPLAH is on the minus strand). VCF-style: chr8-144052236-C-A. GRCh37 (hg19) VCF-style: chr8-145107139-C-A.
Other names: short protein forms G1132W.
Identifiers: ClinVar variation 3254835 (VCV003254835.2), dbSNP rs782653195.